The following is an entry in ClinVar:

NM_024675.4(PALB2):c.1702del (p.Gln568fs)

Gene: PALB2 (partner and localizer of BRCA2; minus strand). Cytogenetic location: 16p12.2.
Variant type: Deletion.
Coding change: c.1702del on transcript NM_024675.4 (MANE Select); coding-DNA position 1702, one base deleted (C; older notation c.1702delC).
Protein change: p.Gln568fs; shifts the reading frame from glutamine 568.
Molecular consequence: frameshift variant.
Genome position (GRCh38, 1-based): chr16:23,630,452, G deleted on the plus strand (C on the coding strand, the reverse complement: PALB2 is on the minus strand). VCF-style (leftmost placement, unchanged base first): chr16-23630451-TG-T. GRCh37 (hg19) VCF-style: chr16-23641772-TG-T.
Other names: c.1642delC, p.Gln548Lysfs (NM_001407296.1); c.1702delC, p.Gln568Lysfs (NM_001407297.1, NM_001407298.1, NM_001407299.1 and 3 more transcripts); c.817delC, p.Gln273Lysfs (NM_001407304.1, NM_001407305.1, NM_001407306.1 and 5 more transcripts); c.-87delC (NM_001407312.1, NM_001407313.1); short protein forms Q568fs.
Identifiers: ClinVar variation 1778377 (VCV001778377.7), dbSNP rs2506439448, ClinGen allele CA2580091409.
Genomic context (GRCh38, chr16:23,630,451, plus strand): 5'-AAAGCATCATCATCCAAGGATAAATAAGCACTATTACTCCAAGAAAGGGAATCCTCTTTT[TG>T]ATGACGACTTTTCTTCCCTAAAGAAGAAAAATAAGTCACAAAATAGTAACAAAACCCAAC-3'

ClinVar aggregate classification (germline): Pathogenic. Review status: criteria provided, multiple submitters, no conflicts (2 of 4 stars). 2 submissions from 2 submitters: Pathogenic (2). Last evaluated 2022-05-21.

Conditions:
Hereditary cancer-predisposing syndrome. Also called: Neoplastic Syndromes, Hereditary; Tumor predisposition; Hereditary Cancer Syndrome; Hereditary neoplastic syndrome. Identifiers: Orphanet 140162, MedGen C0027672, MeSH D009386, MONDO:0015356.
Familial cancer of breast. Also called: BREAST CANCER, FAMILIAL; Hereditary breast cancer; hereditary breast carcinoma. Identifiers: Orphanet 227535, MedGen C0346153, MONDO:0016419, OMIM 114480. Disease mechanism: loss of function.

Submissions (2):

Labcorp Genetics (formerly Invitae), Labcorp
Classification: Pathogenic for Familial cancer of breast. Last evaluated: 2022-05-21. Review status: criteria provided, single submitter. Criteria: Invitae Variant Classification Sherloc (09022015). Collection method: clinical testing. Allele origin: germline.
Comment: For these reasons, this variant has been classified as Pathogenic. This variant has not been reported in the literature in individuals affected with PALB2-related conditions. This variant is not present in population databases (gnomAD no frequency). This sequence change creates a premature translational stop signal (p.Gln568Lysfs*31) in the PALB2 gene. It is expected to result in an absent or disrupted protein product. Loss-of-function variants in PALB2 are known to be pathogenic (PMID: 17200668, 17200671, 17200672, 24136930, 25099575).

Ambry Genetics
Classification: Pathogenic for Hereditary cancer-predisposing syndrome. Last evaluated: 2019-09-28. Review status: criteria provided, single submitter. Criteria: Ambry Variant Classification Scheme 2023. Collection method: clinical testing. Allele origin: germline.
Comment: The c.1702delC pathogenic mutation, located in coding exon 5 of the PALB2 gene, results from a deletion of one nucleotide at nucleotide position 1702, causing a translational frameshift with a predicted alternate stop codon (p.Q568Kfs*31). This alteration is expected to result in loss of function by premature protein truncation or nonsense-mediated mRNA decay. As such, this alteration is interpreted as a disease-causing mutation.

Literature cited by the submitters: PubMed 17200668 (cited by Labcorp Genetics (formerly Invitae), Labcorp); PubMed 17200671 (cited by Labcorp Genetics (formerly Invitae), Labcorp); PubMed 17200672 (cited by Labcorp Genetics (formerly Invitae), Labcorp); PubMed 24136930 (cited by Labcorp Genetics (formerly Invitae), Labcorp); PubMed 25099575 (cited by Labcorp Genetics (formerly Invitae), Labcorp).